The following is an entry in ClinVar:

NM_020708.5(SLC12A5):c.1161G>A (p.Met387Ile)

Gene: SLC12A5 (solute carrier family 12 member 5; plus strand). Cytogenetic location: 20q13.12.
Variant type: single nucleotide variant.
Coding change: c.1161G>A on transcript NM_020708.5 (MANE Select); coding-DNA position 1161, G replaced by A.
Protein change: p.Met387Ile; replaces methionine 387 with isoleucine.
Molecular consequence: missense variant.
Genome position (GRCh38, 1-based): chr20:46,043,247, G>A. VCF-style: chr20-46043247-G-A. GRCh37 (hg19) VCF-style: chr20-44671886-G-A.
Other names: c.1230G>A, p.Met410Ile (NM_001134771.2); short protein forms M387I, M410I.
Identifiers: ClinVar variation 1062757 (VCV001062757.9), dbSNP rs771205120, ClinGen allele CA315635872.

ClinVar aggregate classification (germline): Uncertain significance (1 of 4 stars; one submission).

Conditions:
Developmental and epileptic encephalopathy, 34 (DEE34). Also called: SLC12A5-Related Epilepsy of Infancy with Migrating Focal Seizures; Early infantile epileptic encephalopathy 34. Identifiers: Orphanet 293181, MedGen C4225257, MONDO:0014718, OMIM 616645.

Allele frequency attached by ClinVar (database versions not stated): gnomAD exomes below 0.00001.
gnomAD v4.1: 1 of 1,614,068 alleles (0.000062%); highest among the groups gnomAD compares: Admixed American, 0.0017%; no homozygotes.

Submission:

Labcorp Genetics (formerly Invitae), Labcorp
Classification: Uncertain significance for Developmental and epileptic encephalopathy, 34. Last evaluated: 2020-09-16. Review status: criteria provided, single submitter. Criteria: Invitae Variant Classification Sherloc (09022015). Collection method: clinical testing. Allele origin: germline.
Comment: Algorithms developed to predict the effect of missense changes on protein structure and function (SIFT, PolyPhen-2, Align-GVGD) all suggest that this variant is likely to be tolerated, but these predictions have not been confirmed by published functional studies and their clinical significance is uncertain. This variant has not been reported in the literature in individuals with SLC12A5-related conditions. This variant is not present in population databases (ExAC no frequency). This sequence change replaces methionine with isoleucine at codon 387 of the SLC12A5 protein (p.Met387Ile). The methionine residue is weakly conserved and there is a small physicochemical difference between methionine and isoleucine. Algorithms developed to predict the effect of sequence changes on RNA splicing suggest that this variant may create or strengthen a splice site, but this prediction has not been confirmed by published transcriptional studies. In summary, the available evidence is currently insufficient to determine the role of this variant in disease. Therefore, it has been classified as a Variant of Uncertain Significance.